The following is an entry in ClinVar:

ClinVar aggregate classification (germline): Uncertain significance (1 of 4 stars; one submission).

Submission:

Ambry Genetics
Classification: Uncertain significance. Last evaluated: 2025-08-30. Review status: criteria provided, single submitter. Criteria: Ambry Variant Classification Scheme 2023. Collection method: clinical testing. Allele origin: germline.
Comment: The p.D714G variant (also known as c.2141A>G), located in coding exon 13 of the GEN1 gene, results from an A to G substitution at nucleotide position 2141. The aspartic acid at codon 714 is replaced by glycine, an amino acid with similar properties. This amino acid position is conserved. In addition, this alteration is predicted to be tolerated by in silico analysis. Based on the available evidence, the clinical significance of this variant remains unclear.

NM_001130009.3(GEN1):c.2141A>G (p.Asp714Gly)

Gene: GEN1 (GEN1 Holliday junction 5' flap endonuclease; plus strand). Cytogenetic location: 2p24.2.
Variant type: single nucleotide variant.
Coding change: c.2141A>G on transcript NM_001130009.3 (MANE Select); coding-DNA position 2141, A replaced by G.
Protein change: p.Asp714Gly; replaces aspartic acid 714 with glycine.
Molecular consequence: missense variant.
Genome position (GRCh38, 1-based): chr2:17,781,353, A>G. VCF-style: chr2-17781353-A-G. GRCh37 (hg19) VCF-style: chr2-17962620-A-G.
Other names: c.2141A>G, p.Asp714Gly (NM_182625.5); short protein forms D714G.
Identifiers: ClinVar variation 4263109 (VCV004263109.1).